The following is an entry in ClinVar:

ClinVar aggregate classification (germline): Uncertain significance. Review status: criteria provided, multiple submitters, no conflicts (2 of 4 stars). 2 submissions from 2 submitters: Uncertain significance (2). Last evaluated 2020-06-24.

Allele frequency attached by ClinVar (database versions not stated): gnomAD exomes 0.00001; TOPMed 0.00001; ExAC 0.00002.
gnomAD v4.1: 30 of 1,613,598 alleles (0.0019%); highest among the groups gnomAD compares: Non-Finnish European, 0.0024%; no homozygotes.

Submissions (2):

Labcorp Genetics (formerly Invitae), Labcorp
Classification: Uncertain significance. Last evaluated: 2020-06-24. Review status: criteria provided, single submitter. Criteria: Invitae Variant Classification Sherloc (09022015). Collection method: clinical testing. Allele origin: germline.
Comment: In summary, the available evidence is currently insufficient to determine the role of this variant in disease. Therefore, it has been classified as a Variant of Uncertain Significance. Algorithms developed to predict the effect of missense changes on protein structure and function are either unavailable or do not agree on the potential impact of this missense change (SIFT: "Deleterious"; PolyPhen-2: "Probably Damaging"; Align-GVGD: "Class C0"). This variant has not been reported in the literature in individuals with ADAM9-related conditions. This variant is present in population databases (rs760818444, ExAC 0.02%). This sequence change replaces tyrosine with cysteine at codon 520 of the ADAM9 protein (p.Tyr520Cys). The tyrosine residue is highly conserved and there is a large physicochemical difference between tyrosine and cysteine.

Blueprint Genetics
Classification: Uncertain significance. Last evaluated: 2018-06-05. Review status: criteria provided, single submitter. Criteria: ACMG Guidelines, 2015. Collection method: clinical testing. Allele origin: germline.

NM_003816.3(ADAM9):c.1559A>G (p.Tyr520Cys)

Gene: ADAM9 (ADAM metallopeptidase domain 9; plus strand). Cytogenetic location: 8p11.22.
Variant type: single nucleotide variant.
Coding change: c.1559A>G on transcript NM_003816.3 (MANE Select); coding-DNA position 1559, A replaced by G.
Protein change: p.Tyr520Cys; replaces tyrosine 520 with cysteine.
Molecular consequence: missense variant. On other transcripts: non-coding transcript variant (3).
Genome position (GRCh38, 1-based): chr8:39,055,740, A>G. VCF-style: chr8-39055740-A-G. GRCh37 (hg19) VCF-style: chr8-38913259-A-G.
Other names: short protein forms Y520C.
Identifiers: ClinVar variation 1043831 (VCV001043831.6), dbSNP rs760818444, ClinGen allele CA4721646.